The following is an entry in ClinVar:

ClinVar aggregate classification (germline): Pathogenic/Likely pathogenic. Review status: criteria provided, multiple submitters, no conflicts (2 of 4 stars). 5 submissions from 5 submitters: Pathogenic (1); Likely pathogenic (3). 1 of the submissions does not count toward it. Last evaluated 2025-12-28.

Conditions:
Cobblestone lissencephaly without muscular or ocular involvement. Also called: LEUKOENCEPHALOPATHY WITH VARIABLE CORTICAL BRAIN MALFORMATIONS AND/OR HYDROCEPHALUS; Lissencephaly 5. Identifiers: Orphanet 352682, MedGen C3554657, MONDO:0014077, OMIM 615191.
Classic lissencephaly. Also called: Type I lissencephaly. Identifiers: Orphanet 102009, MedGen C0431375, MONDO:0015146, HP:0006818.
LAMB1-related disorder. Also called: LAMB1-related condition.

Allele frequency attached by ClinVar (database versions not stated): gnomAD 0.00002; ESP Exome Variant Server 0.00008.
gnomAD v4.1: 14 of 1,458,178 alleles (0.00096%); highest among the groups gnomAD compares: Non-Finnish European, 0.0013%; no homozygotes.

Submissions (6):

Labcorp Genetics (formerly Invitae), Labcorp
Classification: Likely pathogenic. Last evaluated: 2025-12-28. Review status: criteria provided, single submitter. Criteria: Invitae Variant Classification Sherloc (09022015). Collection method: clinical testing. Allele origin: germline.
Comment: This sequence change affects a donor splice site in intron 27 of the LAMB1 gene. It is expected to disrupt RNA splicing. Variants that disrupt the donor or acceptor splice site typically lead to a loss of protein function (PMID: 16199547), and loss-of-function variants in LAMB1 are known to be pathogenic (PMID: 23472759, 25925986). This variant is present in population databases (rs142670565, gnomAD 0.0009%). This variant has not been reported in the literature in individuals affected with LAMB1-related conditions. ClinVar contains an entry for this variant (Variation ID: 2413703). Algorithms developed to predict the effect of sequence changes on RNA splicing suggest that this variant may disrupt the consensus splice site. In summary, the currently available evidence indicates that the variant is pathogenic, but additional data are needed to prove that conclusively. Therefore, this variant has been classified as Likely Pathogenic.

GeneDx
Classification: Likely pathogenic. Last evaluated: 2025-11-17. Review status: criteria provided, single submitter. Criteria: GeneDx Variant Classification Process June 2021. Collection method: clinical testing. Allele origin: germline.
Comment: Observed with another variant in a patient in published literature reported to have lissencephaly 5, but detailed clinical information was not provided and it is not known whether the variants occurred on the same (in cis) or on different (in trans) alleles (PMID: 38838312); Canonical splice site variant predicted to result in a null allele in a gene for which loss of function is a known mechanism of disease; Not observed at significant frequency in large population cohorts (gnomAD); This variant is associated with the following publications: (PMID: 38838312)

Women's Health and Genetics/Laboratory Corporation of America, LabCorp
Classification: Likely pathogenic for Classic lissencephaly. Last evaluated: 2025-10-15. Review status: criteria provided, single submitter. Criteria: LabCorp Variant Classification Summary - May 2015. Collection method: clinical testing. Allele origin: germline.
Comment: Variant summary: LAMB1 c.4188+1G>C is located in a canonical splice-site and is predicted to affect mRNA splicing resulting in a significantly altered protein due to either exon skipping, shortening, or inclusion of intronic material. Variants that disrupt the consensus splice site are a relatively common cause of aberrant splicing and loss of LAMB1 function. Several computational tools predict a significant impact on normal splicing: Four predict the variant abolishes a 5' splicing donor site. One predict the variant strengthens a cryptic 5' donor site. However, these predictions have yet to be confirmed by functional studies. The variant allele was found at a frequency of 4e-06 in 250108 control chromosomes. c.4188+1G>C has been observed in at least one compound heterozygous individual affected with Lissencephaly 5 (e.g. Wojcik_2024). To our knowledge, no experimental evidence demonstrating an impact on protein function has been reported. The following publication has been ascertained in the context of this evaluation (PMID: 38838312). ClinVar contains an entry for this variant (Variation ID: 2413703). Based on the evidence outlined above, the variant was classified as likely pathogenic.

Broad Center for Mendelian Genomics, Broad Institute of MIT and Harvard
Classification: Pathogenic for Cobblestone lissencephaly without muscular or ocular involvement. Last evaluated: 2023-05-02. Review status: criteria provided, single submitter. Criteria: ACMG Guidelines, 2015. Collection method: curation. Allele origin: germline. Inheritance: Autosomal recessive inheritance.
Comment: Trio genome analysis revealed that this variant was in trans with a likely pathogenic variant (ClinVar Variation ID: 981899). The c.4188+1G>C variant in LAMB1 has not been previously reported in individuals with cobblestone lissencephaly without muscular or ocular involvement but has been identified in 0.005% (3/65480) of European (non-Finnish) chromosomes by the Genome Aggregation Database (gnomAD; dbSNP ID: rs142670565). Although this variant has been seen in the general population in a heterozygous state, its frequency is low enough to be consistent with a recessive carrier frequency. RNAseq performed on affected tissue (from the individual identified by our study) showed alternate splicing of exon 27. This variant is located in the 5' splice region. Computational tools predict a splicing impact, though this information is not predictive enough to determine pathogenicity. Loss of function is an established disease mechanism of autosomal recessive cobblestone lissencephaly without muscular or ocular involvement. In summary, this variant meets criteria to be classified as pathogenic for autosomal recessive cobblestone lissencephaly without muscular or ocular involvement. ACMG/AMP Criteria applied: PVS1, PS3_Moderate, PM2_Supporting (Richards 2015).

PreventionGenetics, part of Exact Sciences
Classification: Likely pathogenic for LAMB1-related condition. Last evaluated: 2024-09-18. Review status: no assertion criteria provided. Collection method: clinical testing. Allele origin: germline. Not counted in ClinVar's aggregate classification.
Comment: The LAMB1 c.4188+1G>C variant is predicted to disrupt the GT donor site and interfere with normal splicing. To our knowledge, this variant has not been reported in the literature. It is documented in just one allele in gnomAD (of ~250,000), indicating it is rare. In ClinVar, this variant is classified as pathogenic and likely pathogenic; one institution cites evidence of it being detected compound heterozygous in an affected individual (Variation ID: 2413703). Chain-terminating variants, such as those that disrupt splicing, have been shown to cause LAMB1-related disease (Järvelä. 2021. PubMed ID: 33710394; Okazaki et al. 2018. PubMed ID: 29888467). This variant is interpreted as likely pathogenic.

Dr. Peter K. Rogan Lab, Western University
No classification provided (evidence only). Condition: Acute myeloid leukemia. Review status: no classification provided. Collection method: in vitro. Allele origin: not applicable. Functional consequence: retained intron. Not counted in ClinVar's aggregate classification.

Literature cited by the submitters: PubMed 16199547 (cited by Labcorp Genetics (formerly Invitae), Labcorp); PubMed 23472759 (cited by Labcorp Genetics (formerly Invitae), Labcorp); PubMed 25925986 (cited by Labcorp Genetics (formerly Invitae), Labcorp); PubMed 38838312 (cited by Women's Health and Genetics/Laboratory Corporation of America, LabCorp).

NM_002291.3(LAMB1):c.4188+1G>C

Gene: LAMB1 (laminin subunit beta 1; minus strand). Cytogenetic location: 7q31.1.
Variant type: single nucleotide variant.
Coding change: c.4188+1G>C on transcript NM_002291.3 (MANE Select); the canonical splice donor site of the intron after coding-DNA position 4188, G replaced by C.
Molecular consequence: splice donor variant.
Genome position (GRCh38, 1-based): chr7:107,935,414, C>G on the plus strand (G>C on the coding strand, the complement: LAMB1 is on the minus strand). VCF-style: chr7-107935414-C-G. GRCh37 (hg19) VCF-style: chr7-107575859-C-G.
Other names: NM_002291.3:c.4188+1G>C; c.4188+1G>C (NM_002291.2).
Identifiers: ClinVar variation 2413703 (VCV002413703.14), dbSNP rs142670565, ClinGen allele CA164271337.